The following is an entry in ClinVar:

NM_003924.4(PHOX2B):c.915A>T (p.Lys305Asn)

Gene: PHOX2B (paired like homeobox 2B; minus strand). Cytogenetic location: 4p13.
Variant type: single nucleotide variant.
Coding change: c.915A>T on transcript NM_003924.4 (MANE Select); coding-DNA position 915, A replaced by T.
Protein change: p.Lys305Asn; replaces lysine 305 with asparagine.
Molecular consequence: missense variant.
Genome position (GRCh38, 1-based): chr4:41,745,837, T>A on the plus strand (A>T on the coding strand, the complement: PHOX2B is on the minus strand). VCF-style: chr4-41745837-T-A. GRCh37 (hg19) VCF-style: chr4-41747854-T-A.
Other names: short protein forms K305N.
Identifiers: ClinVar variation 5026535 (VCV005026535.1).

ClinVar aggregate classification (germline): Uncertain significance (1 of 4 stars; one submission).

Conditions:
Hereditary cancer-predisposing syndrome. Also called: Neoplastic Syndromes, Hereditary; Tumor predisposition; Hereditary neoplastic syndrome; Hereditary Cancer Syndrome. Identifiers: Orphanet 140162, MedGen C0027672, MeSH D009386, MONDO:0015356.

Submission:

Ambry Genetics
Classification: Uncertain significance for Hereditary cancer-predisposing syndrome. Last evaluated: 2026-07-06. Review status: criteria provided, single submitter. Criteria: Ambry Variant Classification Scheme 2023. Collection method: clinical testing. Allele origin: germline.
Comment: The p.K305N variant (also known as c.915A>T), located in coding exon 3 of the PHOX2B gene, results from an A to T substitution at nucleotide position 915. The lysine at codon 305 is replaced by asparagine, an amino acid with similar properties. This amino acid position is conserved. In addition, this alteration is predicted to be tolerated by in silico analysis. Based on the available evidence, the clinical significance of this variant remains unclear.